The following is an entry in ClinVar:

NM_018911.3(PCDHA8):c.337C>T (p.Pro113Ser)

Genes: PCDHA1 (protocadherin alpha 1; plus strand), PCDHA4 (protocadherin alpha 4; plus strand), PCDHA5 (protocadherin alpha 5; plus strand), PCDHA6 (protocadherin alpha 6; plus strand), PCDHA2 (protocadherin alpha 2; plus strand) and 4 more. Cytogenetic location: 5q31.3.
Variant type: single nucleotide variant.
Coding change: c.337C>T on transcript NM_018911.3 (MANE Select); coding-DNA position 337, C replaced by T.
Protein change: p.Pro113Ser; replaces proline 113 with serine.
Molecular consequence: missense variant. On other transcripts: intron variant (9).
Genome position (GRCh38, 1-based): chr5:140,841,658, C>T. VCF-style: chr5-140841658-C-T. GRCh37 (hg19) VCF-style: chr5-140221243-C-T.
Other names: c.337C>T, p.Pro113Ser (NM_031856.2); c.2394+52974C>T (NM_018900.4); c.1602+53766C>T (NM_031411.3); c.2388+44306C>T (NM_018905.3); c.2394+38067C>T (NM_018906.3); c.2385+32086C>T (NM_018907.4); c.2352+17531C>T (NM_018908.3); c.2394+11173C>T (NM_018909.4); and 2 more; short protein forms P113S.
Identifiers: ClinVar variation 3770542 (VCV003770542.11).

ClinVar aggregate classification (germline): Likely benign (1 of 4 stars; one submission).

gnomAD v4.1: 11,721 of 1,614,100 alleles (0.73%); highest among the groups gnomAD compares: South Asian, 0.83%; 53 homozygotes.

Submission:

CeGaT Center for Human Genetics Tuebingen
Classification: Likely benign. Last evaluated: 2024-12-01. Review status: criteria provided, single submitter. Criteria: CeGaT Center For Human Genetics Tuebingen Variant Classification Criteria Version 2. Collection method: clinical testing. Allele origin: germline. Affected: yes. Observed: 1 variant allele.
Comment: PCDHA8: BP4, BS2